The following is an entry in ClinVar:

ClinVar aggregate classification (germline): Uncertain significance (1 of 4 stars; one submission).

Conditions:
Paroxysmal nonkinesigenic dyskinesia. Also called: Paroxysmal non-kinesigenic dyskinesia. Identifiers: Orphanet 98810, MedGen C1869117, MONDO:0700088.

Allele frequency attached by ClinVar (database versions not stated): TOPMed below 0.00001.

Submission:

Labcorp Genetics (formerly Invitae), Labcorp
Classification: Uncertain significance for Paroxysmal nonkinesigenic dyskinesia. Last evaluated: 2024-01-14. Review status: criteria provided, single submitter. Criteria: Invitae Variant Classification Sherloc (09022015). Collection method: clinical testing. Allele origin: germline.
Comment: This sequence change replaces valine, which is neutral and non-polar, with alanine, which is neutral and non-polar, at codon 4 of the PNKD protein (p.Val4Ala). This variant is not present in population databases (gnomAD no frequency). This variant has not been reported in the literature in individuals affected with PNKD-related conditions. An algorithm developed to predict the effect of missense changes on protein structure and function (PolyPhen-2) suggests that this variant is likely to be tolerated. In summary, the available evidence is currently insufficient to determine the role of this variant in disease. Therefore, it has been classified as a Variant of Uncertain Significance.

NM_015488.5(PNKD):c.11T>C (p.Val4Ala)

Genes: PNKD (PNKD metallo-beta-lactamase domain containing; plus strand), LOC129935594 (ATAC-STARR-seq lymphoblastoid active region 17117; plus strand). Cytogenetic location: 2q35.
Variant type: single nucleotide variant.
Coding change: c.11T>C on transcript NM_015488.5 (MANE Select); coding-DNA position 11, T replaced by C.
Protein change: p.Val4Ala; replaces valine 4 with alanine.
Molecular consequence: missense variant.
Genome position (GRCh38, 1-based): chr2:218,270,546, T>C. VCF-style: chr2-218270546-T-C. GRCh37 (hg19) VCF-style: chr2-219135269-T-C.
Other names: c.11T>C, p.Val4Ala (NM_001077399.3); short protein forms V4A.
Identifiers: ClinVar variation 2731442 (VCV002731442.3), dbSNP rs1574614822, ClinGen allele CA350543528.